The following is an entry in ClinVar:

ClinVar aggregate classification (germline): Uncertain significance (1 of 4 stars; one submission).

Conditions:
Fanconi anemia (FA). Also called: Fanconi's anemia. Identifiers: Orphanet 84, MedGen C0015625, MeSH D005199, MONDO:0019391.

Submission:

Labcorp Genetics (formerly Invitae), Labcorp
Classification: Uncertain significance for Fanconi anemia. Last evaluated: 2023-12-28. Review status: criteria provided, single submitter. Criteria: Invitae Variant Classification Sherloc (09022015). Collection method: clinical testing. Allele origin: germline.
Comment: This variant, c.5002_5004del, results in the deletion of 1 amino acid(s) of the FANCM protein (p.Ile1668del), but otherwise preserves the integrity of the reading frame. This variant is not present in population databases (gnomAD no frequency). This variant has not been reported in the literature in individuals affected with FANCM-related conditions. Experimental studies and prediction algorithms are not available or were not evaluated, and the functional significance of this variant is currently unknown. In summary, the available evidence is currently insufficient to determine the role of this variant in disease. Therefore, it has been classified as a Variant of Uncertain Significance.

NM_020937.4(FANCM):c.4999ATT[1] (p.Ile1668del)

Gene: FANCM (FA complementation group M; plus strand). Cytogenetic location: 14q21.2.
Variant type: Microsatellite.
Coding change: c.4999ATT[1] on transcript NM_020937.4 (MANE Select); one copy of the 3-base unit ATT starting at c.4999; the reference has two copies in a row; one copy, 3 bases deleted.
Protein change: p.Ile1668del; deletes isoleucine 1668.
Molecular consequence: inframe deletion.
Genome position (GRCh38, 1-based): chr14:45,189,024-45,189,026, ATT deleted; deleting any 3 consecutive bases within chr14:45,189,021-45,189,026 gives the same sequence; the position shown is the placement nearest the transcript's 3' end. VCF-style (leftmost placement, unchanged base first): chr14-45189020-AATT-A. GRCh37 (hg19) VCF-style: chr14-45658223-AATT-A.
Other names: c.4921ATT[1], p.Ile1642del (NM_001308133.2); short protein forms I1642del, I1668del.
Identifiers: ClinVar variation 2705200 (VCV002705200.3), dbSNP rs2503244014, ClinGen allele CA2697553909.